The following is an entry in ClinVar:

ClinVar aggregate classification (germline): Uncertain significance (1 of 4 stars; one submission).

Conditions:
Generalized epilepsy with febrile seizures plus, type 7 (GEFSP7). Also called: GEFS+, TYPE 7. Identifiers: Orphanet 36387, MedGen C2751778, MONDO:0013470, OMIM 613863.
Neuropathy, hereditary sensory and autonomic, type 2A (HSAN2A). Also called: ACROOSTEOLYSIS, GIACCAI TYPE; ACROOSTEOLYSIS, NEUROGENIC; WNK1-Related HSAN2 (HSAN2A); MORVAN DISEASE; NEUROPATHY, CONGENITAL SENSORY; HSAN IIA. Identifiers: Orphanet 970, MedGen C2752089, MONDO:0024309, OMIM 201300.

gnomAD v4.1: 1 of 1,613,862 alleles (0.000062%); highest among the groups gnomAD compares: Non-Finnish European, 0.000085%; no homozygotes.

Submission:

Labcorp Genetics (formerly Invitae), Labcorp
Classification: Uncertain significance for Neuropathy, hereditary sensory and autonomic, type 2A; Generalized epilepsy with febrile seizures plus, type 7. Last evaluated: 2022-07-04. Review status: criteria provided, single submitter. Criteria: Invitae Variant Classification Sherloc (09022015). Collection method: clinical testing. Allele origin: germline.
Comment: In summary, the available evidence is currently insufficient to determine the role of this variant in disease. Therefore, it has been classified as a Variant of Uncertain Significance. Algorithms developed to predict the effect of missense changes on protein structure and function (SIFT, PolyPhen-2, Align-GVGD) all suggest that this variant is likely to be tolerated. This variant has not been reported in the literature in individuals affected with SCN9A-related conditions. This variant is not present in population databases (gnomAD no frequency). This sequence change replaces serine, which is neutral and polar, with threonine, which is neutral and polar, at codon 490 of the SCN9A protein (p.Ser490Thr).

NM_001365536.1(SCN9A):c.1469G>C (p.Ser490Thr)

Genes: SCN1A-AS1 (SCN1A and SCN9A antisense RNA 1; plus strand), SCN9A (sodium voltage-gated channel alpha subunit 9; minus strand). Cytogenetic location: 2q24.3.
Variant type: single nucleotide variant.
Coding change: c.1469G>C on transcript NM_001365536.1 (MANE Select); coding-DNA position 1469, G replaced by C.
Protein change: p.Ser490Thr; replaces serine 490 with threonine.
Molecular consequence: missense variant.
Genome position (GRCh38, 1-based): chr2:166,286,469, C>G on the plus strand (G>C on the coding strand, the complement: SCN9A is on the minus strand). VCF-style: chr2-166286469-C-G. GRCh37 (hg19) VCF-style: chr2-167142979-C-G.
Other names: c.1469G>C, p.Ser490Thr (NM_002977.4); short protein forms S490T.
Identifiers: ClinVar variation 2014012 (VCV002014012.4), dbSNP rs58022607, ClinGen allele CA349084673.